The following is an entry in ClinVar:

NM_000231.3(SGCG):c.525del (p.Phe175fs)

Gene: SGCG (sarcoglycan gamma; plus strand). Cytogenetic location: 13q12.12.
Variant type: Deletion.
Coding change: c.525del on transcript NM_000231.3 (MANE Select); coding-DNA position 525, one base deleted (T; older notation c.525delT).
Protein change: p.Phe175fs; shifts the reading frame from phenylalanine 175.
Molecular consequence: frameshift variant.
Genome position (GRCh38, 1-based): chr13:23,295,434, T deleted; the last of 5 consecutive T bases (chr13:23,295,430-23,295,434); deleting any one gives the same sequence. VCF-style (leftmost placement, unchanged base first): chr13-23295429-CT-C. GRCh37 (hg19) VCF-style: chr13-23869568-CT-C.
Other names: NM_000231.3(SGCG):c.525del; p.Phe175fs; p.Phe175Leufs*20; c.525delT (NM_000231.2, NM_000231.3); c.579del, p.Phe193fs (NM_001378244.1); c.525del, p.Phe175fs (NM_001378245.1, NM_001378246.1); short protein forms F193fs.
Identifiers: ClinVar variation 189243 (VCV000189243.85), dbSNP rs786204786, ClinGen allele CA346837.

ClinVar aggregate classification (germline): Pathogenic. Review status: reviewed by expert panel (3 of 4 stars). 22 submissions from 22 submitters: Pathogenic (1). 21 of the submissions do not count toward it. Last evaluated 2025-12-23.

Conditions:
SGCG-related congenital myopathy.
SGCG-related disorder. Also called: SGCG-related condition.
Autosomal recessive limb-girdle muscular dystrophy. Identifiers: Orphanet 102015, MedGen C2931907, MONDO:0015152.
Autosomal recessive limb-girdle muscular dystrophy type 2C (LGMDR5). Also called: MUSCULAR DYSTROPHY, DUCHENNE-LIKE; MUSCULAR DYSTROPHY, LIMB-GIRDLE, AUTOSOMAL RECESSIVE 5. Identifiers: Orphanet 353, MedGen C0410173, MONDO:0009677, OMIM 253700. Disease mechanism: Affects gamma-sarcoglycan and also disrupts the integrity of the entire sarcoglycan complex..

Submissions 1 to 13 of 22:

ClinGen Limb Girdle Muscular Dystrophy Variant Curation Expert Panel, ClinGen
Classification: Pathogenic for Autosomal recessive limb-girdle muscular dystrophy. Last evaluated: 2025-12-23. Review status: reviewed by expert panel. Criteria: ClinGen LGMD VCEP ACMG Specifications SGCG V2.0.0. Collection method: curation. Allele origin: germline. Inheritance: Autosomal recessive inheritance.
Comment: The NM_000231.3: c.525del p.(Phe175LeufsTer20) variant in SGCG is a frameshift variant that is predicted to introduce a premature stop codon and nonsense mediated decay in a gene for which loss of function is a known mechanism of disease. However, use of an N-terminal antibody in patient muscle tissue suggested that a truncated protein may be produced (PMID: 10942431) (PVS1_Strong). This variant has been detected in at least five apparently unrelated patients with autosomal recessive limb girdle muscular dystrophy, including in a homozygous state in at least four individuals (1.0 pt, PMID: 16616845, 10993494, 18285821, 10942431; ClinVar SCV001164546.1) (PM3). At least one patient with this variant displayed progressive limb girdle muscle weakness (PP4). While absent gamma-sarcoglycan protein expression has been reported in the skeletal muscle of patients with this variant, detection may be dependent on the antibody used (PMID: 10993494, 16616845, 10942431). The variant has been reported to segregate with autosomal recessive LGMD in four affected family members from two families (PP1_Strong; PMID: 10942431, ClinVar SCV001164546.1). The highest population allele frequency of this variant is 0.0001166 in gnomAD v4.1.10 (7/60018 Admixed American chromosomes), which is greater than the ClinGen LGMD threshold (0.00009) for PM2_Supporting (criterion not met). In summary, this variant meets the criteria to be classified as Pathogenic for autosomal recessive limb girdle muscular dystrophy based on the ACMG/AMP criteria applied, as specified by the ClinGen LGMD VCEP (LGMD VCEP specifications version 2.0.0; 12/23/2025): PVS1_Strong, PM3, PP4, PP1_Strong.

Department of Molecular Genetics, Istishari Arab Hospital
Classification: Pathogenic for Autosomal recessive limb-girdle muscular dystrophy type 2C. Last evaluated: 2026-08-27. Review status: criteria provided, single submitter. Criteria: ACMG Guidelines, 2015. Collection method: clinical testing. Allele origin: germline. Inheritance: Autosomal recessive inheritance. Affected: no. Not counted in ClinVar's aggregate classification.
Comment: The SGCG variant c.525del, p.Phe175Leufs*20 is a 1-bp deletion in exon 6 (of 8), which results in a frameshift and premature termination. This variant was previously reported in patients with autosomal recessive Muscular dystrophy, limb-girdle 5 (PMID: 20623375, 22240777, 23929688, 24552312, 7481775). It is classified as pathogenic based on ACMG/AMP/ClinGen SVI guidelines.

CeGaT Center for Human Genetics Tuebingen
Classification: Pathogenic. Last evaluated: 2026-08-01. Review status: criteria provided, single submitter. Criteria: CeGaT Center For Human Genetics Tuebingen Variant Classification Criteria Version 2. Collection method: clinical testing. Allele origin: germline. Affected: yes. Observed: 3 variant alleles. Not counted in ClinVar's aggregate classification.
Comment: SGCG: PM3:Very Strong, PVS1, PM2

Dasa
Classification: Pathogenic. Last evaluated: 2026-04-04. Review status: criteria provided, single submitter. Criteria: DASA Assertion Criteria. Collection method: clinical testing. Allele origin: germline. Not counted in ClinVar's aggregate classification.
Comment: NM_000231.3(SGCG):c.525del (p.Phe175Leufs*20) introduces a premature termination codon predicted to result in loss of normal protein function. Loss-of-function is an established mechanism of disease for this gene. This variant has been recurrently observed in individuals with related phenotype (PMID: 10993494; PMID: 10942431; PMID: 16616845; PMID: 18285821). Segregation evidence has been reported in affected families. The variant is present at low frequency in population datasets. Based on the available data, this variant is classified as pathogenic.

Labcorp Genetics (formerly Invitae), Labcorp
Classification: Pathogenic for Autosomal recessive limb-girdle muscular dystrophy type 2C. Last evaluated: 2026-02-01. Review status: criteria provided, single submitter. Criteria: Invitae Variant Classification Sherloc (09022015). Collection method: clinical testing. Allele origin: germline. Not counted in ClinVar's aggregate classification.
Comment: This sequence change creates a premature translational stop signal (p.Phe175Leufs*20) in the SGCG gene. It is expected to result in an absent or disrupted protein product. Loss-of-function variants in SGCG are known to be pathogenic (PMID: 18285821). This variant is present in population databases (rs765500509, gnomAD 0.01%). This premature translational stop signal has been observed in individual(s) with limb girdle muscular dystrophy (PMID: 7481775, 12040521, 22240777, 23929688, 24552312). ClinVar contains an entry for this variant (Variation ID: 189243). For these reasons, this variant has been classified as Pathogenic.

3billion
Classification: Pathogenic for Autosomal recessive limb-girdle muscular dystrophy type 2C. Last evaluated: 2025-09-16. Review status: criteria provided, single submitter. Criteria: ACMG Guidelines, 2015. Collection method: clinical testing. Allele origin: germline. Affected: yes. Not counted in ClinVar's aggregate classification.
Comment: The variant is observed at an extremely low frequency in the gnomAD v4.1.0 dataset (total allele frequency: 0.005%). Predicted Consequence/Location: Frameshift: predicted to result in a loss or disruption of normal protein function through nonsense-mediated decay (NMD) or protein truncation. Multiple pathogenic variants are reported downstream of the variant. The variant has been reported multiple times as an established pathogenic variant (ClinVar ID: VCV000189243 /PMID: 7481775 /3billion dataset). Therefore, this variant is classified as Pathogenic according to the recommendation of ACMG/AMP guideline.

Natera, Inc.
Classification: Pathogenic for Limb-girdle muscular dystrophy type 2C. Last evaluated: 2025-08-11. Review status: criteria provided, single submitter. Criteria: Natera Variant Classification Schema (03/2026). Collection method: clinical testing. Allele origin: germline. Not counted in ClinVar's aggregate classification.
Comment: The c.525delT variant in SGCG is a frameshift variant predicted to shift the reading frame beginning at codon 175 and leads to a stop codon 20 codons downstream. This variant is expected to result in nonsense mediated decay, truncation, or a dysfunctional protein product. This variant is rare in the general population with a frequency below the threshold expected for the associated phenotype(s). This variant has been observed in one or more individuals affected with the associated recessive disease, as either homozygous or compound heterozygous with a second variant (PMID: 12566530). Given the available evidence, this variant is classified as Pathogenic.

Revvity Omics, Revvity
Classification: Pathogenic for Autosomal recessive limb-girdle muscular dystrophy type 2C. Last evaluated: 2025-03-11. Review status: criteria provided, single submitter. Criteria: ACMG Guidelines, 2015. Collection method: clinical testing. Allele origin: germline. Not counted in ClinVar's aggregate classification.

Genomic Medicine Center of Excellence, King Faisal Specialist Hospital and Research Centre
Classification: Pathogenic for Autosomal recessive limb-girdle muscular dystrophy type 2C. Last evaluated: 2024-03-26. Review status: criteria provided, single submitter. Criteria: ACMG Guidelines, 2015. Collection method: clinical testing. Allele origin: germline. Not counted in ClinVar's aggregate classification.

Muscle and Diseases Team, Institut de Génétique et Biologie Moléculaire et Cellulaire
Classification: Likely pathogenic for SGCG-related congenital myopathy. Last evaluated: 2024-03-01. Review status: criteria provided, single submitter. Criteria: ACMG Guidelines, 2015. Collection method: research. Allele origin: biparental. Affected: yes. Observed: 1 variant allele. Not counted in ClinVar's aggregate classification.
Comment: PVS1+PM2

Blueprint Genetics
Classification: Pathogenic for SGCG-related disorders. Last evaluated: 2023-11-06. Review status: criteria provided, single submitter. Criteria: ACMG Guidelines, 2015. Collection method: clinical testing. Allele origin: germline. Affected: yes. Observed: 5 variant alleles. Not counted in ClinVar's aggregate classification.

GeneDx
Classification: Pathogenic. Last evaluated: 2021-12-29. Review status: criteria provided, single submitter. Criteria: GeneDx Variant Classification Process June 2021. Collection method: clinical testing. Allele origin: germline. Affected: yes. Not counted in ClinVar's aggregate classification.
Comment: Frameshift variant predicted to result in protein truncation or nonsense mediated decay in a gene for which loss-of-function is a known mechanism of disease; Not observed at significant frequency in large population cohorts (gnomAD); This variant is associated with the following publications: (PMID: 11693784, 18285821, 22367371, 17994539, 16832103, 23929688, 7481775, 16616845, 15954112, 14678800, 26404900, 25252238, 16916601, 22240777, 24552312, 12040521, 27759885, 30919934, 31130284, 31980526, 31127727, 8900232, 20623375, 19770540, 10942431, 32214227, 25214167, 32528171, 31589614)

MGZ Medical Genetics Center
Classification: Pathogenic for Autosomal recessive limb-girdle muscular dystrophy type 2C. Last evaluated: 2021-11-30. Review status: criteria provided, single submitter. Criteria: ACMG Guidelines, 2015. Collection method: clinical testing. Allele origin: germline. Affected: yes. Observed: 1 variant allele. Not counted in ClinVar's aggregate classification.
Comment: ACMG criteria applied: PVS1, PS4_MOD, PM3, PM2_SUP, PP1